The following is an entry in ClinVar:

NM_000112.4(SLC26A2):c.1777G>T (p.Glu593Ter)

Gene: SLC26A2 (solute carrier family 26 member 2; plus strand). Cytogenetic location: 5q32.
Variant type: single nucleotide variant.
Coding change: c.1777G>T on transcript NM_000112.4 (MANE Select); coding-DNA position 1777, G replaced by T.
Protein change: p.Glu593Ter; replaces glutamic acid 593 with a stop codon.
Molecular consequence: nonsense.
Genome position (GRCh38, 1-based): chr5:149,981,370, G>T. VCF-style: chr5-149981370-G-T. GRCh37 (hg19) VCF-style: chr5-149360933-G-T.
Other names: short protein forms E593*.
Identifiers: ClinVar variation 942484 (VCV000942484.13), dbSNP rs905644652, ClinGen allele CA361708760.

ClinVar aggregate classification (germline): Pathogenic/Likely pathogenic. Review status: criteria provided, multiple submitters, no conflicts (2 of 4 stars). 4 submissions from 4 submitters: Pathogenic (1); Likely pathogenic (3). Last evaluated 2025-01-31.

Conditions:
SLC26A2-related disorder. Also called: SLC26A2-related disorders; SLC26A2-related condition. Identifiers: MedGen CN239404.
Multiple epiphyseal dysplasia type 4 (EDM4). Also called: Multiple Epiphyseal Dysplasia, Recessive; MULTIPLE EPIPHYSEAL DYSPLASIA WITH BILAYERED PATELLAE; MULTIPLE EPIPHYSEAL DYSPLASIA WITH CLUBFOOT; MULTIPLE EPIPHYSEAL DYSPLASIA, AUTOSOMAL RECESSIVE; SLC26A2-Related Multiple Epiphyseal Dysplasia. Identifiers: Orphanet 93307, MedGen C1847593, MONDO:0009189, OMIM 226900.
Atelosteogenesis type II (AO2). Also called: NEONATAL OSSEOUS DYSPLASIA I; SLC26A2-Related Atelosteogenesis; Neonatal osseous dysplasia 1. Identifiers: Orphanet 56304, MedGen C1850554, MONDO:0009727, OMIM 256050.
Diastrophic dysplasia (DTD). Also called: Diastrophic dwarfism. Identifiers: Orphanet 628, MedGen C0220726, MONDO:0009107, OMIM 222600.
Achondrogenesis, type IB (ACG1B). Also called: Achondrogenesis Type 1B. Identifiers: Orphanet 932, Orphanet 93298, MedGen C0265274, MONDO:0010966, OMIM 600972.

Submissions (4):

Natera, Inc.
Classification: Likely pathogenic for Achondrogenesis type IB. Last evaluated: 2025-01-31. Review status: criteria provided, single submitter. Criteria: Natera Variant Classification Schema (03/2026). Collection method: clinical testing. Allele origin: germline.
Comment: The c.1777G>T variant in SLC26A2 is a nonsense variant predicted to introduce a stop codon at amino acid 593. This variant is expected to result in nonsense mediated decay, truncation, or a dysfunctional protein product. This variant is rare in the general population with a frequency below the threshold expected for the associated phenotype(s). Given the available evidence, this variant is classified as Likely Pathogenic.

PreventionGenetics, part of Exact Sciences
Classification: Likely pathogenic for SLC26A2-related condition. Last evaluated: 2023-06-08. Review status: criteria provided, single submitter. Criteria: ACMG Guidelines, 2015. Collection method: clinical testing. Allele origin: germline.
Comment: The SLC26A2 c.1777G>T variant is predicted to result in premature protein termination (p.Glu593*). To our knowledge, this variant has not been reported in the literature or in a large population database, indicating this variant is rare. Nonsense variants in SLC26A2 are expected to be pathogenic. This variant is interpreted as likely pathogenic.

Baylor Genetics
Classification: Likely pathogenic for Achondrogenesis, type IB. Last evaluated: 2022-09-23. Review status: criteria provided, single submitter. Criteria: ACMG Guidelines, 2015. Collection method: clinical testing. Allele origin: unknown.

Labcorp Genetics (formerly Invitae), Labcorp
Classification: Pathogenic for Atelosteogenesis type II; Multiple epiphyseal dysplasia type 4; Achondrogenesis, type IB; Diastrophic dysplasia. Last evaluated: 2019-10-12. Review status: criteria provided, single submitter. Criteria: Invitae Variant Classification Sherloc (09022015). Collection method: clinical testing. Allele origin: germline.
Comment: This sequence change results in a premature translational stop signal in the SLC26A2 gene (p.Glu593*). While this is not anticipated to result in nonsense mediated decay, it is expected to disrupt the last 147 amino acids of the SLC26A2 protein. This variant is not present in population databases (ExAC no frequency). This variant has not been reported in the literature in individuals with SLC26A2-related conditions. This variant disrupts the C-terminus of the SLC26A2 protein. Other variant(s) that disrupt this region (p.Thr627Leufs*23) have been determined to be pathogenic (Invitae). This suggests that variants that disrupt this region of the protein are likely to be causative of disease. For these reasons, this variant has been classified as Pathogenic.